The following is an entry in ClinVar:

ClinVar aggregate classification (germline): Uncertain significance. Review status: criteria provided, multiple submitters, no conflicts (2 of 4 stars). 2 submissions from 2 submitters: Uncertain significance (2). Last evaluated 2025-09-25.

Allele frequency attached by ClinVar (database versions not stated): TOPMed 0.00001; gnomAD 0.00002; gnomAD exomes 0.00002; ExAC 0.00005; 1000 Genomes Project 0.00020; 1000 Genomes Project 30x 0.00031.
gnomAD v4.1: 34 of 1,613,230 alleles (0.0021%); highest among the groups gnomAD compares: Admixed American, 0.005%; no homozygotes.

Submissions (2):

Ambry Genetics
Classification: Uncertain significance. Last evaluated: 2025-09-25. Review status: criteria provided, single submitter. Criteria: Ambry Variant Classification Scheme 2023. Collection method: clinical testing. Allele origin: germline.

Labcorp Genetics (formerly Invitae), Labcorp
Classification: Uncertain significance. Last evaluated: 2024-12-10. Review status: criteria provided, single submitter. Criteria: Invitae Variant Classification Sherloc (09022015). Collection method: clinical testing. Allele origin: germline.
Comment: This sequence change replaces arginine, which is basic and polar, with tryptophan, which is neutral and slightly polar, at codon 923 of the HMCN1 protein (p.Arg923Trp). This variant is present in population databases (rs182434997, gnomAD 0.008%). This variant has not been reported in the literature in individuals affected with HMCN1-related conditions. ClinVar contains an entry for this variant (Variation ID: 1987035). An algorithm developed to predict the effect of missense changes on protein structure and function (PolyPhen-2) suggests that this variant is likely to be disruptive. In summary, the available evidence is currently insufficient to determine the role of this variant in disease. Therefore, it has been classified as a Variant of Uncertain Significance.

NM_031935.3(HMCN1):c.2767C>T (p.Arg923Trp)

Gene: HMCN1 (hemicentin 1; plus strand). Cytogenetic location: 1q31.1.
Variant type: single nucleotide variant.
Coding change: c.2767C>T on transcript NM_031935.3 (MANE Select); coding-DNA position 2767, C replaced by T.
Protein change: p.Arg923Trp; replaces arginine 923 with tryptophan.
Molecular consequence: missense variant.
Genome position (GRCh38, 1-based): chr1:185,982,366, C>T. VCF-style: chr1-185982366-C-T. GRCh37 (hg19) VCF-style: chr1-185951498-C-T.
Other names: c.2767C>T (NM_031935.2); short protein forms R923W.
Identifiers: ClinVar variation 1987035 (VCV001987035.5), dbSNP rs182434997, ClinGen allele CA1291489.